The following is an entry in ClinVar:

NM_001042424.3(NSD2):c.2251_2252del (p.Val751fs)

Gene: NSD2 (nuclear receptor binding SET domain protein 2; plus strand). Cytogenetic location: 4p16.3.
Variant type: Deletion.
Coding change: c.2251_2252del on transcript NM_001042424.3 (MANE Select); coding-DNA positions 2251 to 2252, 2 bases deleted (GT; older notation c.2251_2252delGT).
Protein change: p.Val751fs; shifts the reading frame from valine 751.
Molecular consequence: frameshift variant.
Genome position (GRCh38, 1-based): chr4:1,953,437-1,953,438, GT deleted; deleting any 2 consecutive bases within chr4:1,953,436-1,953,438 gives the same sequence; the c. name uses the placement nearest the transcript's 3' end. VCF-style (leftmost placement, unchanged base first): chr4-1953435-CTG-C. GRCh37 (hg19) VCF-style: chr4-1955162-CTG-C.
Other names: c.2251_2252del, p.Val751fs (NM_133330.3, NM_133331.3, NM_133335.4); c.2251_2252delGT (NM_133330.2); short protein forms V751fs.
Identifiers: ClinVar variation 817502 (VCV000817502.1), dbSNP rs1577532139, ClinGen allele CA915943002.

ClinVar aggregate classification (germline): Pathogenic (1 of 4 stars; one submission).

Submission:

GeneDx
Classification: Pathogenic. Last evaluated: 2019-03-24. Review status: criteria provided, single submitter. Criteria: GeneDx Variant Classification (06012015). Collection method: clinical testing. Allele origin: germline. Affected: yes.
Comment: The c.2251_2252delGT variant in the NSD2 gene has not been reported previously as a pathogenic variant nor as a benign variant, to our knowledge. This variant causes a frameshift starting with codon Valine 751, changes this amino acid to an Isoleucine residue, and creates a premature Stop codon at position 2 of the new reading frame, denoted p.Val751IlefsX2. This variant is predicted to cause loss of normal protein function either through protein truncation or nonsense-mediated mRNA decay. The c.2251_2252delGT variant is not observed in large population cohorts (Lek et al., 2016). We interpret c.2251_2252delGT as a pathogenic variant.